The following is an entry in ClinVar:

NM_001081.4(CUBN):c.8711C>G (p.Ser2904Cys)

Gene: CUBN (cubilin; minus strand). Cytogenetic location: 10p13.
Variant type: single nucleotide variant.
Coding change: c.8711C>G on transcript NM_001081.4 (MANE Select); coding-DNA position 8711, C replaced by G.
Protein change: p.Ser2904Cys; replaces serine 2904 with cysteine.
Molecular consequence: missense variant.
Genome position (GRCh38, 1-based): chr10:16,890,415, G>C on the plus strand (C>G on the coding strand, the complement: CUBN is on the minus strand). VCF-style: chr10-16890415-G-C. GRCh37 (hg19) VCF-style: chr10-16932414-G-C.
Other names: short protein forms S2904C.
Identifiers: ClinVar variation 1897177 (VCV001897177.5), dbSNP rs1588623068, ClinGen allele CA376138981.

ClinVar aggregate classification (germline): Uncertain significance (1 of 4 stars; one submission).

Conditions:
Imerslund-Grasbeck syndrome. Also called: ENTEROCYTE COBALAMIN MALABSORPTION; ENTEROCYTE INTRINSIC FACTOR RECEPTOR, DEFECT OF; PERNICIOUS ANEMIA, JUVENILE, DUE TO SELECTIVE INTESTINAL MALABSORPTION OF VITAMIN B12, WITH PROTEINURIA; Imerslund-Gräsbeck syndrome; Megaloblastic anemia due to inborn errors of metabolism. Identifiers: Orphanet 35858, MedGen C4551825, MONDO:0009853.

Submission:

Labcorp Genetics (formerly Invitae), Labcorp
Classification: Uncertain significance for Imerslund-Grasbeck syndrome. Last evaluated: 2022-05-17. Review status: criteria provided, single submitter. Criteria: Invitae Variant Classification Sherloc (09022015). Collection method: clinical testing. Allele origin: germline.
Comment: This variant is not present in population databases (gnomAD no frequency). This sequence change replaces serine, which is neutral and polar, with cysteine, which is neutral and slightly polar, at codon 2904 of the CUBN protein (p.Ser2904Cys). This variant has not been reported in the literature in individuals affected with CUBN-related conditions. In summary, the available evidence is currently insufficient to determine the role of this variant in disease. Therefore, it has been classified as a Variant of Uncertain Significance. Algorithms developed to predict the effect of missense changes on protein structure and function are either unavailable or do not agree on the potential impact of this missense change (SIFT: "Deleterious"; PolyPhen-2: "Probably Damaging"; Align-GVGD: "Class C15").